The following is an entry in ClinVar:

NM_000091.5(COL4A3):c.3983G>T (p.Gly1328Val)

Genes: COL4A3 (collagen type IV alpha 3 chain; plus strand), MFF-DT (MFF divergent transcript; minus strand). Cytogenetic location: 2q36.3.
Variant type: single nucleotide variant.
Coding change: c.3983G>T on transcript NM_000091.5 (MANE Select); coding-DNA position 3983, G replaced by T.
Protein change: p.Gly1328Val; replaces glycine 1328 with valine.
Molecular consequence: missense variant.
Genome position (GRCh38, 1-based): chr2:227,303,886, G>T. VCF-style: chr2-227303886-G-T. GRCh37 (hg19) VCF-style: chr2-228168602-G-T.
Other names: short protein forms G1328V.
Identifiers: ClinVar variation 1704987 (VCV001704987.7), dbSNP rs372237167, ClinGen allele CA2147416.

ClinVar aggregate classification (germline): Conflicting classifications of pathogenicity. Review status: criteria provided, conflicting classifications (1 of 4 stars). 4 submissions from 4 submitters: Likely pathogenic (1); Uncertain significance (3). Last evaluated 2026-08-18.

Conditions:
Inborn genetic diseases. Identifiers: MedGen C0950123, MeSH D030342.
COL4A3-related disorder. Also called: COL4A3-Related Disorders; COL4A3-related condition.

Allele frequency attached by ClinVar (database versions not stated): ExAC 0.00002; gnomAD 0.00007; ESP Exome Variant Server 0.00008; TOPMed 0.00009.
gnomAD v4.1: 25 of 1,614,034 alleles (0.0015%); highest among the groups gnomAD compares: African/African-American, 0.032%; no homozygotes.

Submissions (4):

PreventionGenetics, part of Exact Sciences
Classification: Likely pathogenic for COL4A3-related condition. Last evaluated: 2026-08-18. Review status: criteria provided, single submitter. Criteria: ACMG Guidelines, 2015. Collection method: clinical testing. Allele origin: germline.
Comment: The COL4A3 c.3983G>T variant is predicted to result in the amino acid substitution p.Gly1328Val. To our knowledge, this variant has not been reported in the literature. The p.Gly1328 residue is located in the conserved triple helical domain, where substitutions of the glycine are usually pathogenic (UniProt residues 43-1438, Hudson et al. 1993. PubMed ID: 8253711; Nozu et al. 2001. [Update 2025]. PubMed ID: 20301386). This variant is reported in 0.033% of alleles in individuals of African descent in gnomAD. This variant is interpreted as likely pathogenic.

Labcorp Genetics (formerly Invitae), Labcorp
Classification: Uncertain significance. Last evaluated: 2025-07-01. Review status: criteria provided, single submitter. Criteria: Invitae Variant Classification Sherloc (09022015). Collection method: clinical testing. Allele origin: germline.
Comment: This sequence change replaces glycine, which is neutral and non-polar, with valine, which is neutral and non-polar, at codon 1328 of the COL4A3 protein (p.Gly1328Val). This variant is present in population databases (rs372237167, gnomAD 0.03%). This variant has not been reported in the literature in individuals affected with COL4A3-related conditions. ClinVar contains an entry for this variant (Variation ID: 1704987). Invitae Evidence Modeling of protein sequence and biophysical properties (such as structural, functional, and spatial information, amino acid conservation, physicochemical variation, residue mobility, and thermodynamic stability) indicates that this missense variant is expected to disrupt COL4A3 protein function with a positive predictive value of 80%. In summary, the available evidence is currently insufficient to determine the role of this variant in disease. Therefore, it has been classified as a Variant of Uncertain Significance.

Ambry Genetics
Classification: Uncertain significance for Inborn genetic diseases. Last evaluated: 2025-01-20. Review status: criteria provided, single submitter. Criteria: Ambry Variant Classification Scheme 2023. Collection method: clinical testing. Allele origin: germline.

GeneDx
Classification: Uncertain significance. Last evaluated: 2022-09-12. Review status: criteria provided, single submitter. Criteria: GeneDx Variant Classification Process June 2021. Collection method: clinical testing. Allele origin: germline. Affected: yes.
Comment: In silico analysis supports that this missense variant has a deleterious effect on protein structure/function; Affects a glycine residue in a Gly-X-Y motif in the triple helical region of the COL4A3 gene; Has not been previously published as pathogenic or benign to our knowledge